The following is an entry in ClinVar:

ClinVar aggregate classification (germline): Conflicting classifications of pathogenicity. Review status: criteria provided, conflicting classifications (1 of 4 stars). 3 submissions from 3 submitters: Uncertain significance (1); Likely benign (1). 1 of the submissions does not count toward it. Last evaluated 2025-04-22.

Conditions:
COL6A3-related disorder. Also called: COL6A3-related condition; COL6A3-related disorders.
Bethlem myopathy 1A. Also called: Bethlem myopathy 1; Bethlem Muscular Dystrophy; MYOPATHY, BENIGN CONGENITAL, WITH CONTRACTURES. Identifiers: Orphanet 610, MedGen CN029274, MONDO:0024530, OMIM 158810.

Allele frequency attached by ClinVar (database versions not stated): gnomAD exomes 0.00007 and 0.00013; ExAC 0.00014; gnomAD 0.00004; TOPMed 0.00011.
gnomAD v4.1: 115 of 1,613,980 alleles (0.0071%); highest among the groups gnomAD compares: East Asian, 0.045%; no homozygotes.

Submissions (3):

Labcorp Genetics (formerly Invitae), Labcorp
Classification: Likely benign for Bethlem myopathy 1A. Last evaluated: 2025-04-22. Review status: criteria provided, single submitter. Criteria: Invitae Variant Classification Sherloc (09022015). Collection method: clinical testing. Allele origin: germline.

Eurofins Ntd Llc (ga)
Classification: Uncertain significance. Last evaluated: 2018-07-02. Review status: criteria provided, single submitter. Criteria: EGL ClinVar v180209 classification definitions. Collection method: clinical testing. Allele origin: germline. Observed: 3 variant alleles, 3 heterozygotes.

PreventionGenetics, part of Exact Sciences
Classification: Likely benign for COL6A3-related condition. Last evaluated: 2019-03-29. Review status: no assertion criteria provided. Collection method: clinical testing. Allele origin: germline. Not counted in ClinVar's aggregate classification.
Comment: This variant is classified as likely benign based on ACMG/AMP sequence variant interpretation guidelines (Richards et al. 2015 PMID: 25741868, with internal and published modifications).

NM_004369.4(COL6A3):c.4848C>T (p.Ser1616=)

Gene: COL6A3 (collagen type VI alpha 3 chain; minus strand). Cytogenetic location: 2q37.3.
Variant type: single nucleotide variant.
Coding change: c.4848C>T on transcript NM_004369.4 (MANE Select); coding-DNA position 4848, C replaced by T.
Protein change: p.Ser1616=; no amino-acid change (serine 1616 retained).
Molecular consequence: synonymous variant.
Genome position (GRCh38, 1-based): chr2:237,368,615, G>A on the plus strand (C>T on the coding strand, the complement: COL6A3 is on the minus strand). VCF-style: chr2-237368615-G-A. GRCh37 (hg19) VCF-style: chr2-238277258-G-A.
Other names: c.3027C>T, p.Ser1009= (NM_057166.5); c.4230C>T, p.Ser1410= (NM_057167.4).
Identifiers: ClinVar variation 94939 (VCV000094939.14), dbSNP rs200948078, ClinGen allele CA222611.
Genomic context (GRCh38, chr2:237,368,615, plus strand): 5'-GTGCATACCTGGCCGTGAAGGAGGAGGGGTGTCCACCCCTGGAGGTGCAGGAGTGGCTGC[G>A]GAGGGTCCAAACGAGTTCATGATTCTTTCTTCTATGTTGGGAAGCTCTCTGAACTCTCGC-3'
Protein context (NP_004360.2, residues 1606-1626): EERIMNSFGP[Ser1616=]AATPAPPGVD